The following is an entry in ClinVar:

NC_000012.12:g.(?_32576352)_(32619876_?)del

Gene: FGD4 (FYVE, RhoGEF and PH domain containing 4; plus strand). Cytogenetic location: 12p11.21.
Variant type: Deletion.
Identifiers: ClinVar variation 584336 (VCV000584336.2).

ClinVar aggregate classification (germline): Pathogenic (1 of 4 stars; one submission).

Conditions:
Charcot-Marie-Tooth disease type 4. Also called: Charcot-Marie-Tooth, Type 4; Charcot-Marie-Tooth disease, type IV. Identifiers: Orphanet 64749, MedGen C4082197, MONDO:0018995.

Submission:

Labcorp Genetics (formerly Invitae), Labcorp
Classification: Pathogenic for Charcot-Marie-Tooth disease type 4. Last evaluated: 2018-05-19. Review status: criteria provided, single submitter. Criteria: Invitae Variant Classification Sherloc (09022015). Collection method: clinical testing. Allele origin: germline.
Comment: A gross deletion of the genomic region encompassing the full coding sequence of the FGD4 gene has been identified. The boundaries of this event are unknown as the deletion extends beyond the assayed region for this gene and therefore may encompass additional genes. This variant has not been reported in the literature in individuals with FGD4-related disease. Loss-of-function variants in FGD4 are known to be pathogenic (PMID: 17564972). For these reasons, this variant has been classified as Pathogenic.

Literature cited by the submitters: PubMed 17564972.